The following is an entry in ClinVar:

Conditions:
Arteriohepatic dysplasia. Also called: Alagille Syndrome. Identifiers: Orphanet 52, MedGen C0085280, MeSH D016738, MONDO:0007318.

Submission:

Gilbert/Spinner Lab, Children's Hospital of Philadelphia
No classification provided (evidence only). Condition: Alagille syndrome. Review status: no classification provided. Collection method: research. Allele origin: not applicable. Functional consequence: functionally_abnormal.
ClinVar note: "not provided" was previously submitted as the classification for the variant. However, the classification appeared to be based only on an observation of functional data so it was converted to no classification on 2025-07-30.

NM_000214.3(JAG1):c.523G>C (p.Gly175Arg)

Gene: JAG1 (jagged canonical Notch ligand 1; minus strand). Cytogenetic location: 20p12.2.
Variant type: single nucleotide variant.
Coding change: c.523G>C on transcript NM_000214.3 (MANE Select); coding-DNA position 523, G replaced by C.
Protein change: p.Gly175Arg; replaces glycine 175 with arginine.
Molecular consequence: missense variant.
Genome position (GRCh38, 1-based): chr20:10,658,639, C>G on the plus strand (G>C on the coding strand, the complement: JAG1 is on the minus strand). VCF-style: chr20-10658639-C-G. GRCh37 (hg19) VCF-style: chr20-10639287-C-G.
Other names: short protein forms G175R.
Identifiers: ClinVar variation 3573322 (VCV003573322.2).